The following is an entry in ClinVar:

NM_033056.4(PCDH15):c.4831_4834dup (p.Thr1612fs)

Gene: PCDH15 (protocadherin related 15; minus strand). Cytogenetic location: 10q21.1.
Variant type: Duplication.
Coding change: c.4831_4834dup on transcript NM_033056.4 (MANE Plus Clinical); coding-DNA positions 4831 to 4834, 4 bases duplicated (AACA; older notation c.4831_4834dupAACA).
Protein change: p.Thr1612fs; shifts the reading frame from threonine 1612.
Molecular consequence: frameshift variant. On other transcripts: intron variant (8).
Genome position (GRCh38, 1-based): chr10:53,822,892-53,822,895, TGTT duplicated on the plus strand (AACA on the coding strand, the reverse complement: PCDH15 is on the minus strand); duplicating any 4 consecutive bases within chr10:53,822,892-53,822,896 gives the same sequence; the c. name uses the placement nearest the transcript's 3' end. VCF-style (leftmost placement, unchanged base first): chr10-53822891-G-GTGTT. GRCh37 (hg19) VCF-style: chr10-55582651-G-GTGTT.
Other names: p.Thr1612LysfsX11; c.4831_4834dupAACA (NM_033056.4); c.4831_4834dup (NM_033056.3); c.4852_4855dup, p.Thr1619fs (NM_001142763.2); c.4837_4840dup, p.Thr1614fs (NM_001142764.2); c.4624_4627dup, p.Thr1543fs (NM_001142765.2); c.4822_4825dup, p.Thr1609fs (NM_001142766.2); c.4711_4714dup, p.Thr1572fs (NM_001142767.2); and 9 more; short protein forms T1592fs, T1614fs, T1572fs, T1609fs, T1619fs, T1543fs, T1589fs, T1590fs.
Identifiers: ClinVar variation 227010 (VCV000227010.24), dbSNP rs545191822, ClinGen allele CA202621.

ClinVar aggregate classification (germline): Benign/Likely benign. Review status: criteria provided, multiple submitters, no conflicts (2 of 4 stars). 7 submissions from 7 submitters: Benign (3); Likely benign (3). 1 of the submissions does not count toward it. Last evaluated 2026-01-28.

Conditions:
PCDH15-related disorder. Also called: PCDH15-related condition; PCDH15-related disorders.
Usher syndrome type 1F (USH1F). Also called: USHER SYNDROME, TYPE IF. Identifiers: Orphanet 231169, Orphanet 886, MedGen C1865885, MONDO:0011186, OMIM 602083.

Submissions (7):

Labcorp Genetics (formerly Invitae), Labcorp
Classification: Benign. Last evaluated: 2026-01-28. Review status: criteria provided, single submitter. Criteria: Invitae Variant Classification Sherloc (09022015). Collection method: clinical testing. Allele origin: germline.

PreventionGenetics, part of Exact Sciences
Classification: Likely benign for PCDH15-related condition. Last evaluated: 2026-01-02. Review status: criteria provided, single submitter. Criteria: ACMG Guidelines, 2015. Collection method: clinical testing. Allele origin: germline.
Comment: This variant is classified as likely benign based on ACMG/AMP sequence variant interpretation guidelines (Richards et al. 2015 PMID: 25741868, with internal and published modifications).

Blueprint Genetics
Classification: Likely benign. Last evaluated: 2024-10-23. Review status: criteria provided, single submitter. Criteria: ACMG Guidelines, 2015. Collection method: clinical testing. Allele origin: germline.

GeneDx
Classification: Likely benign. Last evaluated: 2020-08-07. Review status: criteria provided, single submitter. Criteria: GeneDx Variant Classification Process June 2021. Collection method: clinical testing. Allele origin: germline. Affected: yes.
Comment: This variant is associated with the following publications: (PMID: 25307757)

Laboratory for Molecular Medicine, Mass General Brigham Personalized Medicine
Classification: Benign. Last evaluated: 2015-07-21. Review status: criteria provided, single submitter. Criteria: LMM Criteria. Collection method: clinical testing. Allele origin: germline. Observed: 4 variant alleles.
Comment: p.Thr1612fs in exon 33 of PCDH15: This variant is not expected to have clinical significance because it has been identified in 1% (99/10406) of African chromoso mes by the Exome Aggregation Consortium (ExAC; d bSNP rs545191822).

Eurofins Ntd Llc (ga)
Classification: Benign. Last evaluated: 2014-08-19. Review status: criteria provided, single submitter. Criteria: EGL Classification Definitions. Collection method: clinical testing. Allele origin: germline. Observed: 2 variant alleles, 2 heterozygotes.

Natera, Inc.
Classification: Benign for Usher syndrome type 1F. Last evaluated: 2020-01-08. Review status: no assertion criteria provided. Collection method: clinical testing. Allele origin: germline. Not counted in ClinVar's aggregate classification.

Literature cited by the submitters: PubMed 25307757 (cited by Laboratory for Molecular Medicine, Mass General Brigham Personalized Medicine).